The following is an entry in ClinVar:

NM_017780.4(CHD7):c.7848G>A (p.Leu2616=)

Gene: CHD7 (chromodomain helicase DNA binding protein 7; plus strand). Cytogenetic location: 8q12.2.
Variant type: single nucleotide variant.
Coding change: c.7848G>A on transcript NM_017780.4 (MANE Select); coding-DNA position 7848, G replaced by A.
Protein change: p.Leu2616=; no amino-acid change (leucine 2616 retained).
Molecular consequence: synonymous variant. On other transcripts: intron variant (1).
Genome position (GRCh38, 1-based): chr8:60,862,213, G>A. VCF-style: chr8-60862213-G-A. GRCh37 (hg19) VCF-style: chr8-61774772-G-A.
Other names: c.7848G>A (LRG_176t1); c.1717-16G>A (NM_001316690.1).
Identifiers: ClinVar variation 158319 (VCV000158319.34), dbSNP rs188188906, ClinGen allele CA271340.

ClinVar aggregate classification (germline): Conflicting classifications of pathogenicity. Review status: criteria provided, conflicting classifications (1 of 4 stars). 8 submissions from 8 submitters: Uncertain significance (1); Benign (3); Likely benign (4). Last evaluated 2026-08-01.

Conditions:
Inborn genetic diseases. Identifiers: MedGen C0950123, MeSH D030342.
CHARGE syndrome (CHARGE). Also called: CHARGE ASSOCIATION--COLOBOMA, HEART ANOMALY, CHOANAL ATRESIA, RETARDATION, GENITAL AND EAR ANOMALIES; Hittner Hirsch Kreh syndrome; Coloboma, heart anomaly, choanal atresia, retardation, genital and ear anomalies; CHARGE association; Hall-Hittner syndrome. Identifiers: Orphanet 138, MedGen C0265354, MONDO:0008965.

Allele frequency attached by ClinVar (database versions not stated): gnomAD exomes 0.00006 and 0.00031; ExAC 0.00034; gnomAD 0.00004 and 0.00005; ESP Exome Variant Server 0.00008; TOPMed 0.00015; 1000 Genomes Project 0.00020; 1000 Genomes Project 30x 0.00016.
gnomAD v4.1: 89 of 1,609,946 alleles (0.0055%); highest among the groups gnomAD compares: Admixed American, 0.15%; no homozygotes.

Submissions (8):

CeGaT Center for Human Genetics Tuebingen
Classification: Likely benign. Last evaluated: 2026-08-01. Review status: criteria provided, single submitter. Criteria: CeGaT Center For Human Genetics Tuebingen Variant Classification Criteria Version 2. Collection method: clinical testing. Allele origin: germline. Affected: yes. Observed: 6 variant alleles.
Comment: CHD7: BP4, BP7, BS1

Labcorp Genetics (formerly Invitae), Labcorp
Classification: Benign for CHARGE syndrome. Last evaluated: 2026-01-15. Review status: criteria provided, single submitter. Criteria: Invitae Variant Classification Sherloc (09022015). Collection method: clinical testing. Allele origin: germline.

Blueprint Genetics
Classification: Likely benign. Last evaluated: 2021-10-01. Review status: criteria provided, single submitter. Criteria: ACMG Guidelines, 2015. Collection method: clinical testing. Allele origin: germline.

Genetic Services Laboratory, University of Chicago
Classification: Benign. Last evaluated: 2020-10-20. Review status: criteria provided, single submitter. Criteria: ACMG Guidelines, 2015. Collection method: clinical testing. Allele origin: germline. Affected: no.

GeneDx
Classification: Benign. Last evaluated: 2020-01-27. Review status: criteria provided, single submitter. Criteria: GeneDx Variant Classification Process June 2021. Collection method: clinical testing. Allele origin: germline. Affected: yes.

Ambry Genetics
Classification: Likely benign for Inborn genetic diseases. Last evaluated: 2018-01-19. Review status: criteria provided, single submitter. Criteria: Ambry Variant Classification Scheme 2023. Collection method: clinical testing. Allele origin: germline.

Eurofins Ntd Llc (ga)
Classification: Uncertain significance. Last evaluated: 2016-08-16. Review status: criteria provided, single submitter. Criteria: EGL Classification Definitions 2015. Collection method: clinical testing. Allele origin: germline. Observed: 1 variant allele, 1 heterozygote.

PreventionGenetics, part of Exact Sciences
Classification: Likely benign. Review status: criteria provided, single submitter. Criteria: ACMG Guidelines, 2015. Collection method: clinical testing. Allele origin: germline.